The following is an entry in ClinVar:

NM_000051.4(ATM):c.6118G>C (p.Ala2040Pro)

Genes: ATM (ATM serine/threonine kinase; plus strand), C11orf65 (chromosome 11 open reading frame 65; minus strand). Cytogenetic location: 11q22.3.
Variant type: single nucleotide variant.
Coding change: c.6118G>C on transcript NM_000051.4 (MANE Select); coding-DNA position 6118, G replaced by C.
Protein change: p.Ala2040Pro; replaces alanine 2040 with proline.
Molecular consequence: missense variant. On other transcripts: intron variant (2).
Genome position (GRCh38, 1-based): chr11:108,316,033, G>C. VCF-style: chr11-108316033-G-C. GRCh37 (hg19) VCF-style: chr11-108186760-G-C.
Other names: c.6118G>C, p.Ala2040Pro (NM_001351834.2); c.641-6962C>G (NM_001330368.2); c.*39-6962C>G (NM_001351110.2); short protein forms A2040P.
Identifiers: ClinVar variation 216224 (VCV000216224.8), dbSNP rs863224576, ClinGen allele CA337477.
Genomic context (GRCh38, chr11:108,316,033, plus strand): 5'-GTAAAACCCAAAGCTATTTTCACAATCTTTTCTTATAGACTACGAACATATGAACACGAA[G>C]CAATGTGGGGCAAAGCCCTAGTAACATATGACCTCGAAACAGCAATCCCCTCATCAACAC-3'
Protein context (NP_000042.3, residues 2030-2050): ITRLRTYEHE[Ala2040Pro]MWGKALVTYD

ClinVar aggregate classification (germline): Uncertain significance. Review status: criteria provided, multiple submitters, no conflicts (2 of 4 stars). 2 submissions from 2 submitters: Uncertain significance (2). Last evaluated 2025-01-07.

Conditions:
Hereditary cancer-predisposing syndrome. Also called: Neoplastic Syndromes, Hereditary; Hereditary neoplastic syndrome; Tumor predisposition; Hereditary Cancer Syndrome. Identifiers: Orphanet 140162, MedGen C0027672, MeSH D009386, MONDO:0015356.
Ataxia-telangiectasia syndrome (AT). Also called: Ataxia telangiectasia (A-T); Cerebello-oculocutaneous telangiectasia; Immunodeficiency with ataxia telangiectasia; LOUIS-BAR SYNDROME; AT, COMPLEMENTATION GROUP C; ATAXIA-TELANGIECTASIA, FRESNO VARIANT. Identifiers: Orphanet 100, MedGen C0004135, MONDO:0008840, OMIM 208900.

Submissions (2):

Ambry Genetics
Classification: Uncertain significance for Hereditary cancer-predisposing syndrome. Last evaluated: 2025-01-07. Review status: criteria provided, single submitter. Criteria: Ambry Variant Classification Scheme 2023. Collection method: clinical testing. Allele origin: germline.
Comment: The p.A2040P variant (also known as c.6118G>C), located in coding exon 41 of the ATM gene, results from a G to C substitution at nucleotide position 6118. The alanine at codon 2040 is replaced by proline, an amino acid with highly similar properties. This amino acid position is highly conserved in available vertebrate species. In addition, the in silico prediction for this alteration is inconclusive. Based on the available evidence, the clinical significance of this variant remains unclear.

Labcorp Genetics (formerly Invitae), Labcorp
Classification: Uncertain significance for Ataxia-telangiectasia syndrome. Last evaluated: 2015-03-14. Review status: criteria provided, single submitter. Criteria: Invitae Variant Classification Sherloc (09022015). Collection method: clinical testing. Allele origin: germline.
Comment: Algorithms developed to predict the effect of missense changes on protein structure and function do not agree on the potential impact of this missense change (SIFT: "tolerated"; PolyPhen-2: "Possibly Damaging"; Align-GVGD: "Class C0"). In summary, this is a novel missense change with uncertain impact on protein function. It has been classified as a Variant of Uncertain Significance. This variant has not been published in the literature and is not present in population databases. This sequence change replaces alanine with proline at codon 2040 of the ATM protein (p.Ala2040Pro). The alanine residue is moderately conserved and there is a small physicochemical difference between alanine and proline.